The following is an entry in ClinVar:

ClinVar aggregate classification (germline): Pathogenic (1 of 4 stars; one submission).

Conditions:
Angioedema. Identifiers: MedGen C0002994, MeSH D000799, MONDO:0010481, HP:0100665.

Submission:

DNA-diagnostics Laboratory, Research Centre For Medical Genetics
Classification: Pathogenic for Angioedema. Last evaluated: 2024-07-20. Review status: criteria provided, single submitter. Criteria: ACMG Guidelines, 2015. Collection method: research. Allele origin: germline. Inheritance: Sporadic. Affected: yes. Observed: 1 heterozygote.
Comment: The c.136_139delinsTTG variant in SERPING1 meets ACMG/ClinGen SVI guidance criteria to be classified as pathogenic: PVS1, PM2_Sup, PP4

NM_000062.3(SERPING1):c.136_139delinsTTG (p.Ala46fs)

Gene: SERPING1 (serpin family G member 1; plus strand). Cytogenetic location: 11q12.1.
Variant type: Indel.
Coding change: c.136_139delinsTTG on transcript NM_000062.3 (MANE Select); coding-DNA positions 136 to 139, GCAA replaced by TTG.
Protein change: p.Ala46fs; shifts the reading frame from alanine 46.
Molecular consequence: frameshift variant.
Genome position (GRCh38, 1-based): chr11:57,599,963-57,599,966, GCAA replaced by TTG. VCF-style: chr11-57599963-GCAA-TTG. GRCh37 (hg19) VCF-style: chr11-57367436-GCAA-TTG.
Other names: c.136_139delinsTTG, p.Ala46fs (NM_001032295.2); short protein forms A46fs.
Identifiers: ClinVar variation 3255484 (VCV003255484.2), dbSNP rs2495425264.